The following is an entry in ClinVar:

NC_000014.9:g.100859188G>C

Gene: MEG3 (maternally expressed 3; plus strand). Cytogenetic location: 14q32.2.
Variant type: single nucleotide variant.
Genome position: GRCh38 VCF-style: chr14-100859188-G-C. GRCh37 (hg19) VCF-style: chr14-101325525-G-C.
Identifiers: ClinVar variation 2644548 (VCV002644548.24), dbSNP rs45560644, ClinGen allele CA266876695.

ClinVar aggregate classification (germline): Benign (1 of 4 stars; one submission).

Allele frequency attached by ClinVar (database versions not stated): 1000 Genomes Project 0.00439; 1000 Genomes Project 30x 0.00468; TOPMed 0.00689; gnomAD 0.00700.

Submission:

CeGaT Center for Human Genetics Tuebingen
Classification: Benign. Last evaluated: 2024-10-01. Review status: criteria provided, single submitter. Criteria: CeGaT Center For Human Genetics Tuebingen Variant Classification Criteria Version 2. Collection method: clinical testing. Allele origin: germline. Affected: yes. Observed: 4 variant alleles.
Comment: MEG3: BS1, BS2